The following is an entry in ClinVar:

ClinVar aggregate classification (germline): Uncertain significance (1 of 4 stars; one submission).

Submission:

Labcorp Genetics (formerly Invitae), Labcorp
Classification: Uncertain significance. Last evaluated: 2025-01-07. Review status: criteria provided, single submitter. Criteria: Invitae Variant Classification Sherloc (09022015). Collection method: clinical testing. Allele origin: germline.
Comment: This sequence change replaces leucine, which is neutral and non-polar, with methionine, which is neutral and non-polar, at codon 308 of the C3 protein (p.Leu308Met). This variant is not present in population databases (gnomAD no frequency). This variant has not been reported in the literature in individuals affected with C3-related conditions. Invitae Evidence Modeling of protein sequence and biophysical properties (such as structural, functional, and spatial information, amino acid conservation, physicochemical variation, residue mobility, and thermodynamic stability) indicates that this missense variant is not expected to disrupt C3 protein function with a negative predictive value of 80%. In summary, the available evidence is currently insufficient to determine the role of this variant in disease. Therefore, it has been classified as a Variant of Uncertain Significance.

NM_000064.4(C3):c.922C>A (p.Leu308Met)

Gene: C3 (complement C3; minus strand). Cytogenetic location: 19p13.3.
Variant type: single nucleotide variant.
Coding change: c.922C>A on transcript NM_000064.4 (MANE Select); coding-DNA position 922, C replaced by A.
Protein change: p.Leu308Met; replaces leucine 308 with methionine.
Molecular consequence: missense variant.
Genome position (GRCh38, 1-based): chr19:6,713,270, G>T on the plus strand (C>A on the coding strand, the complement: C3 is on the minus strand). VCF-style: chr19-6713270-G-T. GRCh37 (hg19) VCF-style: chr19-6713281-G-T.
Other names: short protein forms L308M.
Identifiers: ClinVar variation 3707225 (VCV003707225.2).
Genomic context (GRCh38, chr19:6,713,270, plus strand): 5'-CAGACACGTACAAAGACTTCCCCACCAGGTCTTCTGCTCGGGGGTTCTGCACCCCGTCCA[G>T]CAGTACCTTCCGGCTCAGCACAACCTCCCCCGAGCCATCCTCAATCTGAGAAGGGAGAGG-3'
Protein context (NP_000055.2, residues 298-318): GEVVLSRKVL[Leu308Met]DGVQNPRAED